The following is an entry in ClinVar:

ClinVar aggregate classification (germline): Likely benign (0 of 4 stars; one submission).

Conditions:
LMNB2-related disorder. Also called: LMNB2-related condition.

Submission:

PreventionGenetics, part of Exact Sciences
Classification: Likely benign for LMNB2-related condition. Last evaluated: 2019-06-27. Review status: no assertion criteria provided. Collection method: clinical testing. Allele origin: germline.
Comment: This variant is classified as likely benign based on ACMG/AMP sequence variant interpretation guidelines (Richards et al. 2015 PMID: 25741868, with internal and published modifications).

NM_032737.4(LMNB2):c.*9_*21del

Gene: LMNB2 (lamin B2; minus strand). Cytogenetic location: 19p13.3.
Variant type: Deletion.
Coding change: c.*9_*21del on transcript NM_032737.4 (MANE Select); 9 bases downstream of the stop codon through 21 bases downstream of the stop codon, 13 bases deleted (TCCTCATCCACAC).
Molecular consequence: 3 prime UTR variant.
Genome position (GRCh38, 1-based): chr19:2,430,890-2,430,902, GTGTGGATGAGGA deleted on the plus strand (TCCTCATCCACAC on the coding strand, the reverse complement: LMNB2 is on the minus strand); deleting any 13 consecutive bases within chr19:2,430,890-2,430,908 gives the same sequence; the c. name uses the placement nearest the transcript's 3' end. VCF-style (leftmost placement, unchanged base first): chr19-2430889-TGTGTGGATGAGGA-T. GRCh37 (hg19) VCF-style: chr19-2430887-TGTGTGGATGAGGA-T.
Identifiers: ClinVar variation 3043554 (VCV003043554.2), dbSNP rs756552926, ClinGen allele CA9067245.